The following is an entry in ClinVar:

ClinVar aggregate classification (germline): Uncertain significance (1 of 4 stars; one submission).

gnomAD v4.1: 5 of 1,613,652 alleles (0.00031%); highest among the groups gnomAD compares: Non-Finnish European, 0.00042%; no homozygotes.

Submission:

Labcorp Genetics (formerly Invitae), Labcorp
Classification: Uncertain significance. Last evaluated: 2024-05-29. Review status: criteria provided, single submitter. Criteria: Invitae Variant Classification Sherloc (09022015). Collection method: clinical testing. Allele origin: germline.
Comment: This sequence change replaces proline, which is neutral and non-polar, with serine, which is neutral and polar, at codon 1410 of the ARID1A protein (p.Pro1410Ser). This variant is not present in population databases (gnomAD no frequency). This variant has not been reported in the literature in individuals affected with ARID1A-related conditions. Advanced modeling of protein sequence and biophysical properties (such as structural, functional, and spatial information, amino acid conservation, physicochemical variation, residue mobility, and thermodynamic stability) performed at Invitae indicates that this missense variant is not expected to disrupt ARID1A protein function with a negative predictive value of 95%. In summary, the available evidence is currently insufficient to determine the role of this variant in disease. Therefore, it has been classified as a Variant of Uncertain Significance.

NM_006015.6(ARID1A):c.4228C>T (p.Pro1410Ser)

Gene: ARID1A (AT-rich interaction domain 1A; plus strand). Cytogenetic location: 1p36.11.
Variant type: single nucleotide variant.
Coding change: c.4228C>T on transcript NM_006015.6 (MANE Select); coding-DNA position 4228, C replaced by T.
Protein change: p.Pro1410Ser; replaces proline 1410 with serine.
Molecular consequence: missense variant. On other transcripts: intron variant (1).
Genome position (GRCh38, 1-based): chr1:26,774,455, C>T. VCF-style: chr1-26774455-C-T. GRCh37 (hg19) VCF-style: chr1-27100946-C-T.
Other names: c.4102-525C>T (NM_139135.4); short protein forms P1410S.
Identifiers: ClinVar variation 3609785 (VCV003609785.2).
Genomic context (GRCh38, chr1:26,774,455, plus strand): 5'-AGCGTGCCATACAGCACTGGGCAGGGGCAGCCTCAGCAGCAGCAGTTGCCCCCAGCCCAG[C>T]CCCAGCCTGCCAGCCAGCAACAAGCTGCCCAGCCTTCCCCTCAGCAAGATGTATACAACC-3'
Protein context (NP_006006.3, residues 1400-1420): PQQQQLPPAQ[Pro1410Ser]QPASQQQAAQ